The following is an entry in ClinVar:

ClinVar aggregate classification (germline): Pathogenic (1 of 4 stars; one submission).

Conditions:
Telangiectasia, hereditary hemorrhagic, type 2 (HHT2). Also called: ACVRL1-Related Hereditary Hemorrhagic Telangiectasia; Telangiectasia, hereditary hemorrhagic, type II. Identifiers: Orphanet 774, MedGen C1838163, MONDO:0010880, OMIM 600376. Disease mechanism: loss of function.

Submission:

Labcorp Genetics (formerly Invitae), Labcorp
Classification: Pathogenic for Telangiectasia, hereditary hemorrhagic, type 2. Last evaluated: 2022-10-25. Review status: criteria provided, single submitter. Criteria: Invitae Variant Classification Sherloc (09022015). Collection method: clinical testing. Allele origin: germline.
Comment: This sequence change creates a premature translational stop signal (p.Glu470Glyfs*24) in the ACVRL1 gene. While this is not anticipated to result in nonsense mediated decay, it is expected to disrupt the last 34 amino acid(s) of the ACVRL1 protein. This variant is not present in population databases (gnomAD no frequency). This premature translational stop signal has been observed in individual(s) with hereditary hemorrhagic telangiectasia (Invitae). This variant disrupts a region of the ACVRL1 protein in which other variant(s) (p.Arg484Leu) have been determined to be pathogenic (PMID: 18498373, 29650961; Invitae). This suggests that this is a clinically significant region of the protein, and that variants that disrupt it are likely to be disease-causing. For these reasons, this variant has been classified as Pathogenic.

Literature cited by the submitters: PubMed 18498373; PubMed 29650961.

NM_000020.3(ACVRL1):c.1408dup (p.Glu470fs)

Gene: ACVRL1 (activin A receptor like type 1; plus strand). Cytogenetic location: 12q13.13.
Variant type: Duplication.
Coding change: c.1408dup on transcript NM_000020.3 (MANE Select); coding-DNA position 1408, one base duplicated (G; older notation c.1408dupG).
Protein change: p.Glu470fs; shifts the reading frame from glutamic acid 470.
Molecular consequence: frameshift variant.
Genome position (GRCh38, 1-based): chr12:51,920,789, G duplicated; the last of 3 consecutive G bases (chr12:51,920,787-51,920,789); duplicating any one gives the same sequence. VCF-style (leftmost placement, unchanged base first): chr12-51920786-C-CG. GRCh37 (hg19) VCF-style: chr12-52314570-C-CG.
Other names: c.1408dup, p.Glu470fs (NM_001077401.2); c.1408dup, p.Glu470Glyfs (NM_001406487.1); c.1252dup, p.Glu418Glyfs (NM_001406490.1); c.1096dup, p.Glu366Glyfs (NM_001406491.1, NM_001406492.1); c.898dup, p.Glu300Glyfs (NM_001406494.1); c.844dup, p.Glu282Glyfs (NM_001406495.1); short protein forms E470fs.
Identifiers: ClinVar variation 2036707 (VCV002036707.4), dbSNP rs2540174515, ClinGen allele CA2580086439.